The following is an entry in ClinVar:

ClinVar aggregate classification (germline): Uncertain significance (1 of 4 stars; one submission).

Conditions:
Catecholaminergic polymorphic ventricular tachycardia (CVPT). Also called: Catecholamine-induced polymorphic ventricular tachycardia. Identifiers: Orphanet 3286, MedGen C5574922, MONDO:0017990.

Allele frequency attached by ClinVar (database versions not stated): gnomAD exomes below 0.00001.
gnomAD v4.1: 1 of 1,613,900 alleles (0.000062%); no homozygotes.

Submission:

All of Us Research Program, National Institutes of Health
Classification: Uncertain significance for Catecholaminergic polymorphic ventricular tachycardia. Last evaluated: 2023-05-04. Review status: criteria provided, single submitter. Criteria: ACMG Guidelines, 2015. Collection method: clinical testing. Allele origin: germline. Inheritance: Autosomal dominant inheritance. Observed: 1 variant allele, 1 heterozygote.
Comment: This missense variant replaces isoleucine with valine at codon 1229 of the RYR2 protein. Computational prediction suggests that this variant may not impact protein structure and function (internally defined REVEL score threshold <= 0.5, PMID: 27666373). To our knowledge, functional studies have not been reported for this variant. This variant has not been reported in individuals affected with RYR2-related disorders in the literature. This variant has not been identified in the general population by the Genome Aggregation Database (gnomAD). The available evidence is insufficient to determine the role of this variant in disease conclusively. Therefore, this variant is classified as a Variant of Uncertain Significance.

This study involves interpretation of variants in research participants for the purpose of population health screening. Participant phenotype was not available at the time of variant classification. Additional details can be found in publication PMID: 35346344, PMCID: PMC8962531

NM_001035.3(RYR2):c.3685A>G (p.Ile1229Val)

Gene: RYR2 (ryanodine receptor 2; plus strand). Cytogenetic location: 1q43.
Variant type: single nucleotide variant.
Coding change: c.3685A>G on transcript NM_001035.3 (MANE Select); coding-DNA position 3685, A replaced by G.
Protein change: p.Ile1229Val; replaces isoleucine 1229 with valine.
Molecular consequence: missense variant.
Genome position (GRCh38, 1-based): chr1:237,589,879, A>G. VCF-style: chr1-237589879-A-G. GRCh37 (hg19) VCF-style: chr1-237753179-A-G.
Other names: short protein forms I1229V.
Identifiers: ClinVar variation 3070645 (VCV003070645.1), dbSNP rs2546606606, ClinGen allele CA345396316.